The following is an entry in ClinVar:

NM_004187.5(KDM5C):c.3656T>G (p.Leu1219Arg)

Gene: KDM5C (lysine demethylase 5C; minus strand). Cytogenetic location: Xp11.22.
Variant type: single nucleotide variant.
Coding change: c.3656T>G on transcript NM_004187.5 (MANE Select); coding-DNA position 3656, T replaced by G.
Protein change: p.Leu1219Arg; replaces leucine 1219 with arginine.
Molecular consequence: missense variant. On other transcripts: non-coding transcript variant (3).
Genome position (GRCh38, 1-based): chrX:53,194,521, A>C on the plus strand (T>G on the coding strand, the complement: KDM5C is on the minus strand). VCF-style: chrX-53194521-A-C. GRCh37 (hg19) VCF-style: chrX-53223703-A-C.
Other names: c.3455T>G, p.Leu1152Arg (NM_001146702.2); c.3653T>G, p.Leu1218Arg (NM_001282622.3, NM_001353979.2, NM_001353982.2); c.3656T>G, p.Leu1219Arg (NM_001353978.3, NM_001353981.2, NM_001353984.2); short protein forms L1152R, L1218R, L1219R.
Identifiers: ClinVar variation 2430141 (VCV002430141.4), dbSNP rs1556834394, ClinGen allele CA413107749.

ClinVar aggregate classification (germline): Conflicting classifications of pathogenicity. Review status: criteria provided, conflicting classifications (1 of 4 stars). 3 submissions from 3 submitters: Likely pathogenic (1); Uncertain significance (2). Last evaluated 2026-07-06.

Conditions:
Intellectual developmental disorder, X-linked, syndromic, Claes-Jensen type. Also called: INTELLECTUAL DEVELOPMENTAL DISORDER, X-LINKED, SYNDROMIC 16; MENTAL RETARDATION, X-LINKED, SYNDROMIC 16; Syndromic X-linked intellectual disability Claes-Jensen type. Identifiers: Orphanet 85279, MedGen C1845243, MONDO:0010355, OMIM 300534.

Allele frequency attached by ClinVar (database versions not stated): TOPMed 0.00001; gnomAD exomes 0.00002.
gnomAD v4.1: 18 of 1,211,138 alleles (0.0015%); highest among the groups gnomAD compares: South Asian, 0.0088%; no homozygotes.

Submissions (3):

Victorian Clinical Genetics Services, Murdoch Childrens Research Institute
Classification: Uncertain significance for Intellectual developmental disorder, X-linked, syndromic, Claes-Jensen type. Last evaluated: 2026-07-06. Review status: criteria provided, single submitter. Criteria: ACMG Guidelines, 2015. Collection method: clinical testing. Allele origin: germline. Affected: yes.
Comment: This variant is classified as VUS-3B. Evidence in support of pathogenic classification: This variant is present in gnomAD <0.01 (v4: 11 heterozygote(s), 0 homozygote(s), 7 hemizygote(s)); This variant has moderate previous evidence of pathogenicity in unrelated individuals. Additional information: This variant is predicted to result in a missense amino acid change from Leu to Arg; This variant is hemizygous; This gene is associated with X-linked disease. Females heterozygous for familial variants have been reported to be mildly affected. While de novo heterozygous females tend to be syndromic and more severely affected (PMIDs: 32279304, 36553533); No published evidence of segregation with disease has been identified for this variant; No published functional evidence has been identified for this variant; No comparable variants have previous evidence for pathogenicity; Variant is located in the annotated PHD2_KDM5C_5D domain (NCBI); Missense variant with inconclusive in silico prediction(s) and/or uninformative conservation; Loss of function is a known mechanism of disease in this gene and is associated with intellectual developmental disorder, X-linked syndromic, Claes-Jensen type (MIM#300534); Variants in this gene are known to have variable expressivity. Intrafamilial and interfamilial variability have been reported (PMID: 16541399).

Kasturba Medical College, Manipal, Kasturba Medical College, Manipal, Manipal Academy of Higher Education, Manipal, India
Classification: Likely pathogenic for Intellectual developmental disorder, X-linked, syndromic, Claes-Jensen type. Last evaluated: 2023-01-23. Review status: criteria provided, single submitter. Criteria: ACMG Guidelines, 2015. Collection method: clinical testing. Allele origin: germline. Affected: yes.

Juno Genomics, Hangzhou Juno Genomics, Inc
Classification: Uncertain significance for Intellectual developmental disorder, X-linked, syndromic, Claes-Jensen type. Review status: criteria provided, single submitter. Criteria: ACMG Guidelines, 2015. Collection method: clinical testing. Allele origin: germline.
Comment: Absent from controls (or at extremely low frequency if recessive) in Genome Aggregation Database.;Multiple lines of computational evidence suggest no impact on gene or gene product.;Assumed de novo, but without confirmation of paternity and maternity.

Literature cited by the submitters: PubMed 32279304 (cited by Victorian Clinical Genetics Services, Murdoch Childrens Research Institute); PubMed 16541399 (cited by Victorian Clinical Genetics Services, Murdoch Childrens Research Institute); PubMed 38114583 (cited by Victorian Clinical Genetics Services, Murdoch Childrens Research Institute); PubMed 36553533 (cited by Victorian Clinical Genetics Services, Murdoch Childrens Research Institute).